The following is an entry in ClinVar:

NM_014908.4(DOLK):c.533A>G (p.Asn178Ser)

Gene: DOLK (dolichol kinase; minus strand). Cytogenetic location: 9q34.11.
Variant type: single nucleotide variant.
Coding change: c.533A>G on transcript NM_014908.4 (MANE Select); coding-DNA position 533, A replaced by G.
Protein change: p.Asn178Ser; replaces asparagine 178 with serine.
Molecular consequence: missense variant.
Genome position (GRCh38, 1-based): chr9:128,946,771, T>C on the plus strand (A>G on the coding strand, the complement: DOLK is on the minus strand). VCF-style: chr9-128946771-T-C. GRCh37 (hg19) VCF-style: chr9-131709050-T-C.
Other names: short protein forms N178S.
Identifiers: ClinVar variation 3504688 (VCV003504688.2).

ClinVar aggregate classification (germline): Conflicting classifications of pathogenicity. Review status: criteria provided, conflicting classifications (1 of 4 stars). 2 submissions from 2 submitters: Uncertain significance (1); Likely benign (1). Last evaluated 2025-08-03.

Conditions:
DK1-congenital disorder of glycosylation. Also called: CONGENITAL DISORDER OF GLYCOSYLATION, TYPE Im; CDG Im; DK1 DEFICIENCY; DOLICHOL KINASE DEFICIENCY; DOLK-congenital disorder of glycosylation; Carbohydrate deficient glycoprotein syndrome type 1m. Identifiers: Orphanet 91131, MedGen C1835849, MONDO:0012556, OMIM 610768.
Cardiovascular phenotype. Identifiers: MedGen CN230736.

Submissions (2):

Labcorp Genetics (formerly Invitae), Labcorp
Classification: Uncertain significance for DK1-congenital disorder of glycosylation. Last evaluated: 2025-08-03. Review status: criteria provided, single submitter. Criteria: Invitae Variant Classification Sherloc (09022015). Collection method: clinical testing. Allele origin: germline.
Comment: This sequence change replaces asparagine, which is neutral and polar, with serine, which is neutral and polar, at codon 178 of the DOLK protein (p.Asn178Ser). This variant is present in population databases (rs770597264, gnomAD 0.0009%). This variant has not been reported in the literature in individuals affected with DOLK-related conditions. ClinVar contains an entry for this variant (Variation ID: 3504688). Invitae Evidence Modeling of protein sequence and biophysical properties (such as structural, functional, and spatial information, amino acid conservation, physicochemical variation, residue mobility, and thermodynamic stability) indicates that this missense variant is not expected to disrupt DOLK protein function with a negative predictive value of 80%. In summary, the available evidence is currently insufficient to determine the role of this variant in disease. Therefore, it has been classified as a Variant of Uncertain Significance.

Ambry Genetics
Classification: Likely benign for Cardiovascular phenotype. Last evaluated: 2024-09-20. Review status: criteria provided, single submitter. Criteria: Ambry Variant Classification Scheme 2023. Collection method: clinical testing. Allele origin: germline.